The following is an entry in ClinVar:

ClinVar aggregate classification (germline): Conflicting classifications of pathogenicity. Review status: criteria provided, conflicting classifications (1 of 4 stars). 2 submissions from 2 submitters: Uncertain significance (1); Likely benign (1). Last evaluated 2026-01-08.

Conditions:
Inborn genetic diseases. Identifiers: MedGen C0950123, MeSH D030342.

Allele frequency attached by ClinVar (database versions not stated): TOPMed 0.00004; gnomAD exomes 0.00005; ESP Exome Variant Server 0.00008; ExAC 0.00013; 1000 Genomes Project 30x 0.00016; 1000 Genomes Project 0.00020.
gnomAD v4.1: 77 of 1,604,092 alleles (0.0048%); highest among the groups gnomAD compares: South Asian, 0.043%; no homozygotes.

Submissions (4):

Labcorp Genetics (formerly Invitae), Labcorp
Classification: Uncertain significance. Last evaluated: 2026-01-08. Review status: criteria provided, single submitter. Criteria: Invitae Variant Classification Sherloc (09022015). Collection method: clinical testing. Allele origin: germline.
Comment: This sequence change replaces arginine, which is basic and polar, with glutamine, which is neutral and polar, at codon 1203 of the LAMA5 protein (p.Arg1203Gln). This variant is present in population databases (rs376938303, gnomAD 0.05%). This variant has not been reported in the literature in individuals affected with LAMA5-related conditions. ClinVar contains an entry for this variant (Variation ID: 2082895). An algorithm developed to predict the effect of missense changes on protein structure and function outputs the following: PolyPhen-2: "Benign". The glutamine amino acid residue is found in multiple mammalian species, which suggests that this missense change does not adversely affect protein function. In summary, the available evidence is currently insufficient to determine the role of this variant in disease. Therefore, it has been classified as a Variant of Uncertain Significance.

Ambry Genetics
Classification: Likely benign for Inborn genetic diseases. Last evaluated: 2024-05-17. Review status: criteria provided, single submitter. Criteria: Ambry Variant Classification Scheme 2023. Collection method: clinical testing. Allele origin: germline.

Dr. Peter K. Rogan Lab, Western University
No classification provided (evidence only). Condition: Colon adenocarcinoma. Review status: no classification provided. Collection method: in vitro. Allele origin: not applicable. Functional consequence: retained intron. Not counted in ClinVar's aggregate classification.

Dr. Peter K. Rogan Lab, Western University
No classification provided (evidence only). Condition: Malignant tumor of esophagus. Review status: no classification provided. Collection method: in vitro. Allele origin: not applicable. Functional consequence: retained intron. Not counted in ClinVar's aggregate classification.

NM_005560.6(LAMA5):c.3608G>A (p.Arg1203Gln)

Gene: LAMA5 (laminin subunit alpha 5; minus strand). Cytogenetic location: 20q13.33.
Variant type: single nucleotide variant.
Coding change: c.3608G>A on transcript NM_005560.6 (MANE Select); coding-DNA position 3608, G replaced by A.
Protein change: p.Arg1203Gln; replaces arginine 1203 with glutamine.
Molecular consequence: missense variant.
Genome position (GRCh38, 1-based): chr20:62,331,074, C>T on the plus strand (G>A on the coding strand, the complement: LAMA5 is on the minus strand). VCF-style: chr20-62331074-C-T. GRCh37 (hg19) VCF-style: chr20-60906130-C-T.
Other names: c.3608G>A (NM_005560.3); short protein forms R1203Q.
Identifiers: ClinVar variation 2082895 (VCV002082895.6), dbSNP rs376938303, ClinGen allele CA9942921.